The following is an entry in ClinVar:

ClinVar aggregate classification (germline): Uncertain significance (1 of 4 stars; one submission).

Submission:

GeneDx
Classification: Uncertain significance. Last evaluated: 2020-12-17. Review status: criteria provided, single submitter. Criteria: GeneDx Variant Classification Process June 2021. Collection method: clinical testing. Allele origin: germline. Affected: yes.
Comment: Has not been previously published as pathogenic or benign to our knowledge; Not observed in large population cohorts (Lek 2016); In silico analysis supports that this missense variant has a deleterious effect on protein structure/function

NM_000535.7(PMS2):c.143A>G (p.Asp48Gly)

Gene: PMS2 (PMS1 homolog 2, mismatch repair system component; minus strand). Cytogenetic location: 7p22.1.
Variant type: single nucleotide variant.
Coding change: c.143A>G on transcript NM_000535.7 (MANE Select); coding-DNA position 143, A replaced by G.
Protein change: p.Asp48Gly; replaces aspartic acid 48 with glycine.
Molecular consequence: missense variant. On other transcripts: 5 prime UTR variant (8), non-coding transcript variant (1), intron variant (3).
Genome position (GRCh38, 1-based): chr7:6,005,912, T>C on the plus strand (A>G on the coding strand, the complement: PMS2 is on the minus strand). VCF-style: chr7-6005912-T-C. GRCh37 (hg19) VCF-style: chr7-6045543-T-C.
Other names: c.-263A>G (NM_001322003.2, NM_001322005.2, NM_001322009.2 and 1 more transcripts); c.143A>G, p.Asp48Gly (NM_001322006.2, NM_001322014.2); c.-73A>G (NM_001322007.2); c.-742A>G (NM_001322011.2, NM_001322012.2); c.-342A>G (NM_001322015.2); c.-52-1854A>G (NM_001322008.2); c.-242-1854A>G (NM_001322010.2, NM_001322004.2); short protein forms D48G.
Identifiers: ClinVar variation 1320378 (VCV001320378.2), dbSNP rs2128844111, ClinGen allele CA366744982.
Genomic context (GRCh38, chr7:6,005,912, plus strand): 5'-ACAGATCATTTCTTGTGGCTTAAAACTCTCCCAAACTTACCAATATTAGTGGCACCAGCA[T>C]CCAGACTGTTTTCTACTAACTCCTTTACCGCAGTGCTTAGACTCAGTACCACCTGCCCAG-3'
Protein context (NP_000526.2, residues 38-58): AVKELVENSL[Asp48Gly]AGATNIDLKL